The following is an entry in ClinVar:

NM_001029883.3(PCARE):c.3612G>A (p.Gln1204=)

Gene: PCARE (photoreceptor cilium actin regulator; minus strand). Cytogenetic location: 2p23.2.
Variant type: single nucleotide variant.
Coding change: c.3612G>A on transcript NM_001029883.3 (MANE Select); coding-DNA position 3612, G replaced by A.
Protein change: p.Gln1204=; no amino-acid change (glutamine 1204 retained).
Molecular consequence: synonymous variant.
Genome position (GRCh38, 1-based): chr2:29,070,650, C>T on the plus strand (G>A on the coding strand, the complement: PCARE is on the minus strand). VCF-style: chr2-29070650-C-T. GRCh37 (hg19) VCF-style: chr2-29293516-C-T.
Identifiers: ClinVar variation 4982998 (VCV004982998.1).

ClinVar aggregate classification (germline): Likely benign (1 of 4 stars; one submission).

Conditions:
PCARE-related disorder. Also called: PCARE-related condition.

gnomAD v4.1: 4 of 1,614,096 alleles (0.00025%); highest among the groups gnomAD compares: Non-Finnish European, 0.00034%; no homozygotes.

Submission:

PreventionGenetics, part of Exact Sciences
Classification: Likely benign for PCARE-related condition. Last evaluated: 2026-08-11. Review status: criteria provided, single submitter. Criteria: ACMG Guidelines, 2015. Collection method: clinical testing. Allele origin: germline.
Comment: This variant is classified as likely benign based on ACMG/AMP sequence variant interpretation guidelines (Richards et al. 2015 PMID: 25741868, with internal and published modifications).